The following is an entry in ClinVar:

ClinVar aggregate classification (germline): Uncertain significance. Review status: criteria provided, multiple submitters, no conflicts (2 of 4 stars). 2 submissions from 2 submitters: Uncertain significance (2). Last evaluated 2025-12-08.

Conditions:
Hereditary cancer-predisposing syndrome. Also called: Neoplastic Syndromes, Hereditary; Tumor predisposition; Hereditary neoplastic syndrome; Hereditary Cancer Syndrome. Identifiers: Orphanet 140162, MedGen C0027672, MeSH D009386, MONDO:0015356.

gnomAD v4.1: 1 of 1,614,130 alleles (0.000062%); highest among the groups gnomAD compares: Non-Finnish European, 0.000085%; no homozygotes.

Submissions (2):

Ambry Genetics
Classification: Uncertain significance for Hereditary cancer-predisposing syndrome. Last evaluated: 2025-12-08. Review status: criteria provided, single submitter. Criteria: Ambry Variant Classification Scheme 2023. Collection method: clinical testing. Allele origin: germline.

Labcorp Genetics (formerly Invitae), Labcorp
Classification: Uncertain significance. Last evaluated: 2024-11-15. Review status: criteria provided, single submitter. Criteria: Invitae Variant Classification Sherloc (09022015). Collection method: clinical testing. Allele origin: germline.
Comment: This sequence change replaces methionine, which is neutral and non-polar, with leucine, which is neutral and non-polar, at codon 418 of the MSH3 protein (p.Met418Leu). This variant is not present in population databases (gnomAD no frequency). This variant has not been reported in the literature in individuals affected with MSH3-related conditions. ClinVar contains an entry for this variant (Variation ID: 1390484). An algorithm developed to predict the effect of missense changes on protein structure and function outputs the following: PolyPhen-2: "Benign". The leucine amino acid residue is found in multiple mammalian species, which suggests that this missense change does not adversely affect protein function. In summary, the available evidence is currently insufficient to determine the role of this variant in disease. Therefore, it has been classified as a Variant of Uncertain Significance.

NM_002439.5(MSH3):c.1252A>C (p.Met418Leu)

Gene: MSH3 (mutS homolog 3; plus strand). Cytogenetic location: 5q14.1.
Variant type: single nucleotide variant.
Coding change: c.1252A>C on transcript NM_002439.5 (MANE Select); coding-DNA position 1252, A replaced by C.
Protein change: p.Met418Leu; replaces methionine 418 with leucine.
Molecular consequence: missense variant.
Genome position (GRCh38, 1-based): chr5:80,679,005, A>C. VCF-style: chr5-80679005-A-C. GRCh37 (hg19) VCF-style: chr5-79974824-A-C.
Other names: c.1252A>C (NM_002439.3); short protein forms M418L.
Identifiers: ClinVar variation 1390484 (VCV001390484.9), dbSNP rs1749904636, ClinGen allele CA360268975.